The following is an entry in ClinVar:

ClinVar aggregate classification (germline): Uncertain significance (1 of 4 stars; one submission).

Submission:

Labcorp Genetics (formerly Invitae), Labcorp
Classification: Uncertain significance. Last evaluated: 2024-01-27. Review status: criteria provided, single submitter. Criteria: Invitae Variant Classification Sherloc (09022015). Collection method: clinical testing. Allele origin: germline.
Comment: This sequence change replaces proline, which is neutral and non-polar, with leucine, which is neutral and non-polar, at codon 439 of the TRIM8 protein (p.Pro439Leu). This variant is not present in population databases (gnomAD no frequency). This variant has not been reported in the literature in individuals affected with TRIM8-related conditions. An algorithm developed to predict the effect of missense changes on protein structure and function (PolyPhen-2) suggests that this variant is likely to be tolerated. In summary, the available evidence is currently insufficient to determine the role of this variant in disease. Therefore, it has been classified as a Variant of Uncertain Significance.

NM_030912.3(TRIM8):c.1316C>T (p.Pro439Leu)

Gene: TRIM8 (tripartite motif containing 8; plus strand). Cytogenetic location: 10q24.32.
Variant type: single nucleotide variant.
Coding change: c.1316C>T on transcript NM_030912.3 (MANE Select); coding-DNA position 1316, C replaced by T.
Protein change: p.Pro439Leu; replaces proline 439 with leucine.
Molecular consequence: missense variant. On other transcripts: non-coding transcript variant (1).
Genome position (GRCh38, 1-based): chr10:102,657,014, C>T. VCF-style: chr10-102657014-C-T. GRCh37 (hg19) VCF-style: chr10-104416771-C-T.
Other names: c.1220C>T, p.Pro407Leu (NM_001345950.1); short protein forms P407L, P439L.
Identifiers: ClinVar variation 2713466 (VCV002713466.3), dbSNP rs1198286184, ClinGen allele CA377932088.